The following is an entry in ClinVar:

NM_001374736.1(DST):c.22121G>A (p.Arg7374Lys)

Gene: DST (dystonin; minus strand). Cytogenetic location: 6p12.1.
Variant type: single nucleotide variant.
Coding change: c.22121G>A on transcript NM_001374736.1 (MANE Select); coding-DNA position 22121, G replaced by A.
Protein change: p.Arg7374Lys; replaces arginine 7374 with lysine.
Molecular consequence: missense variant.
Genome position (GRCh38, 1-based): chr6:56,472,096, C>T on the plus strand (G>A on the coding strand, the complement: DST is on the minus strand). VCF-style: chr6-56472096-C-T. GRCh37 (hg19) VCF-style: chr6-56336894-C-T.
Other names: c.15764G>A, p.Arg5255Lys (NM_001144769.5); c.15350G>A, p.Arg5117Lys (NM_001144770.2); c.22121G>A, p.Arg7374Lys (NM_001374722.1); c.21161G>A, p.Arg7054Lys (NM_001374729.1); c.14903G>A, p.Arg4968Lys (NM_001374730.1); c.22148G>A, p.Arg7383Lys (NM_001374734.1); c.14252G>A, p.Arg4751Lys (NM_015548.5); c.15230G>A, p.Arg5077Lys (NM_183380.4); short protein forms R4751K, R7054K, R7383K, R4968K, R5077K, R5117K, R5255K, R7374K.
Identifiers: ClinVar variation 966340 (VCV000966340.10), dbSNP rs2094926732, ClinGen allele CA364508577.

ClinVar aggregate classification (germline): Uncertain significance (1 of 4 stars; one submission).

Conditions:
Hereditary sensory and autonomic neuropathy type 6. Also called: Neuropathy, hereditary sensory and autonomic, type VI; HSAN VI. Identifiers: Orphanet 314381, MedGen C3539003, MONDO:0013839, OMIM 614653.
Epidermolysis bullosa simplex 3, localized or generalized intermediate, with BP230 deficiency (EBS3). Also called: Epidermolysis bullosa simplex, autosomal recessive 2; Epidermolysis bullosa simplex due to BP230 deficiency. Identifiers: Orphanet 412181, MedGen C3809470, MONDO:0014180, OMIM 615425.

Allele frequency attached by ClinVar (database versions not stated): gnomAD exomes below 0.00001.
gnomAD v4.1: 4 of 1,613,930 alleles (0.00025%); highest among the groups gnomAD compares: Non-Finnish European, 0.00034%; no homozygotes.

Submission:

Labcorp Genetics (formerly Invitae), Labcorp
Classification: Uncertain significance for Epidermolysis bullosa simplex 3, localized or generalized intermediate, with BP230 deficiency; Hereditary sensory and autonomic neuropathy type 6. Last evaluated: 2022-03-18. Review status: criteria provided, single submitter. Criteria: Invitae Variant Classification Sherloc (09022015). Collection method: clinical testing. Allele origin: germline.
Comment: Experimental studies and prediction algorithms are not available or were not evaluated, and the functional significance of this variant is currently unknown. In summary, the available evidence is currently insufficient to determine the role of this variant in disease. Therefore, it has been classified as a Variant of Uncertain Significance. This variant has not been reported in the literature in individuals affected with DST-related conditions. This variant is not present in population databases (gnomAD no frequency). This sequence change replaces arginine, which is basic and polar, with lysine, which is basic and polar, at codon 4751 of the DST protein (p.Arg4751Lys). The DST gene has multiple clinically relevant transcripts. This variant occurs in alternate transcript NM_015548.4, and corresponds to NM_001723.5:c.*143421G>A in the primary transcript.